The following is an entry in ClinVar:

ClinVar aggregate classification (germline): Uncertain significance (1 of 4 stars; one submission).

gnomAD v4.1: 2 of 1,583,904 alleles (0.00013%); highest among the groups gnomAD compares: East Asian, 0.0023%; no homozygotes.

Submission:

Labcorp Genetics (formerly Invitae), Labcorp
Classification: Uncertain significance. Last evaluated: 2021-06-13. Review status: criteria provided, single submitter. Criteria: Invitae Variant Classification Sherloc (09022015). Collection method: clinical testing. Allele origin: germline.
Comment: This sequence change replaces glycine with aspartic acid at codon 58 of the LEMD3 protein (p.Gly58Asp). The glycine residue is weakly conserved and there is a moderate physicochemical difference between glycine and aspartic acid. This variant is not present in population databases (ExAC no frequency). This variant has not been reported in the literature in individuals with LEMD3-related conditions. Algorithms developed to predict the effect of missense changes on protein structure and function are either unavailable or do not agree on the potential impact of this missense change (SIFT: "Deleterious"; PolyPhen-2: "Benign"; Align-GVGD: "Class C0"). In summary, the available evidence is currently insufficient to determine the role of this variant in disease. Therefore, it has been classified as a Variant of Uncertain Significance.

NM_014319.5(LEMD3):c.173G>A (p.Gly58Asp)

Gene: LEMD3 (LEM domain containing 3; plus strand). Cytogenetic location: 12q14.3.
Variant type: single nucleotide variant.
Coding change: c.173G>A on transcript NM_014319.5 (MANE Select); coding-DNA position 173, G replaced by A.
Protein change: p.Gly58Asp; replaces glycine 58 with aspartic acid.
Molecular consequence: missense variant.
Genome position (GRCh38, 1-based): chr12:65,169,769, G>A. VCF-style: chr12-65169769-G-A. GRCh37 (hg19) VCF-style: chr12-65563549-G-A.
Other names: c.173G>A, p.Gly58Asp (NM_001167614.2); short protein forms G58D.
Identifiers: ClinVar variation 1498189 (VCV001498189.8), dbSNP rs1467049645, ClinGen allele CA385671905.
Genomic context (GRCh38, chr12:65,169,769, plus strand): 5'-TCTACCTCAAGAAGCTGAAGAAGCTTCGAGAGGAAGAGCAGCAACAGCACCGGTCAGGGG[G>A]CCGCGGCAACAAGACGCGGAACAGTAATAACAATAACACGGCAGCCGCCACGGTCGCAGC-3'
Protein context (NP_055134.2, residues 48-68): EEEQQQHRSG[Gly58Asp]RGNKTRNSNN